The following is an entry in ClinVar:

ClinVar aggregate classification (germline): Likely benign. Review status: criteria provided, single submitter (1 of 4 stars). 2 submissions from 2 submitters: Likely benign (1). 1 of the submissions does not count toward it. Last evaluated 2023-03-23.

Conditions:
Hereditary cancer-predisposing syndrome. Also called: Tumor predisposition; Neoplastic Syndromes, Hereditary; Hereditary Cancer Syndrome; Hereditary neoplastic syndrome. Identifiers: Orphanet 140162, MedGen C0027672, MeSH D009386, MONDO:0015356.
Breast-ovarian cancer, familial, susceptibility to, 2 (BROVCA2). Also called: BRCA2 Hereditary Breast and Ovarian Cancer. Identifiers: Orphanet 145, MedGen C2675520, MONDO:0012933, OMIM 612555. Disease mechanism: loss of function.

Submissions (2):

University of Washington Department of Laboratory Medicine, University of Washington
Classification: Likely benign for Hereditary cancer-predisposing syndrome. Last evaluated: 2023-03-23. Review status: criteria provided, single submitter. Criteria: Dines et al. (Genet Med. 2020). Collection method: curation. Allele origin: germline.
Comment: Missense variant in a coldspot region where missense variants are very unlikely to be pathogenic (PMID:31911673).

BRCA2 exon 10 coldspot. Reclassification based on statistical prior probability.

MVZ Praenatalmedizin und Genetik Nuernberg
Classification: Uncertain significance for Breast-ovarian cancer, familial, susceptibility to, 2. Last evaluated: 2017-04-01. Review status: no assertion criteria provided. Collection method: clinical testing. Allele origin: unknown. Inheritance: Autosomal dominant inheritance. Affected: no. Observed: 1 variant allele, 1 heterozygote. Not counted in ClinVar's aggregate classification.
Comment: This rare/private variant (ExAC: no entry) was not found in databases and literature. Multiple in silico analyses agree on a benign prediction but are not sufficient for classification. Therefore we rate this variant as Variant of unknown significance (VUS)

NM_000059.4(BRCA2):c.1129G>C (p.Glu377Gln)

Gene: BRCA2 (BRCA2 DNA repair associated; plus strand). Cytogenetic location: 13q13.1.
Variant type: single nucleotide variant.
Coding change: c.1129G>C on transcript NM_000059.4 (MANE Select); coding-DNA position 1129, G replaced by C.
Protein change: p.Glu377Gln; replaces glutamic acid 377 with glutamine.
Molecular consequence: missense variant.
Genome position (GRCh38, 1-based): chr13:32,332,607, G>C. VCF-style: chr13-32332607-G-C. GRCh37 (hg19) VCF-style: chr13-32906744-G-C.
Other names: short protein forms E377Q.
Identifiers: ClinVar variation 417620 (VCV000417620.4), dbSNP rs876658625, ClinGen allele CA16616705.